The following is an entry in ClinVar:

ClinVar aggregate classification (germline): Conflicting classifications of pathogenicity. Review status: criteria provided, conflicting classifications (1 of 4 stars). 2 submissions from 2 submitters: Uncertain significance (1); Benign (1). Last evaluated 2025-05-01.

Conditions:
Arrhythmogenic right ventricular dysplasia 9 (ARVD9). Also called: Arrhythmogenic Right Ventricular Dysplasia/Cardiomyopathy 9; ARRHYTHMOGENIC RIGHT VENTRICULAR DYSPLASIA, FAMILIAL, 9. Identifiers: MedGen C1836906, MONDO:0012180, OMIM 609040.
Cardiovascular phenotype. Identifiers: MedGen CN230736.

Allele frequency attached by ClinVar (database versions not stated): gnomAD exomes below 0.00001.
gnomAD v4.1: 4 of 1,287,156 alleles (0.00031%); highest among the groups gnomAD compares: East Asian, 0.014%; no homozygotes.

Submissions (2):

Labcorp Genetics (formerly Invitae), Labcorp
Classification: Uncertain significance for Arrhythmogenic right ventricular dysplasia 9. Last evaluated: 2025-05-01. Review status: criteria provided, single submitter. Criteria: Invitae Variant Classification Sherloc (09022015). Collection method: clinical testing. Allele origin: germline.
Comment: This sequence change replaces histidine, which is basic and polar, with tyrosine, which is neutral and polar, at codon 477 of the PKP2 protein (p.His477Tyr). This variant is present in population databases (no rsID available, gnomAD 0.0009%). This variant has not been reported in the literature in individuals affected with PKP2-related conditions. ClinVar contains an entry for this variant (Variation ID: 2199448). An algorithm developed to predict the effect of missense changes on protein structure and function (PolyPhen-2) suggests that this variant is likely to be tolerated. In summary, the available evidence is currently insufficient to determine the role of this variant in disease. Therefore, it has been classified as a Variant of Uncertain Significance.

Ambry Genetics
Classification: Benign for Cardiovascular phenotype. Last evaluated: 2025-02-05. Review status: criteria provided, single submitter. Criteria: Ambry Variant Classification Scheme 2023. Collection method: clinical testing. Allele origin: germline.

NM_001005242.3(PKP2):c.1379-2058C>T

Gene: PKP2 (plakophilin 2; minus strand). Cytogenetic location: 12p11.21.
Variant type: single nucleotide variant.
Coding change: c.1379-2058C>T on transcript NM_001005242.3 (MANE Select); 2058 bases into the intron before coding-DNA position 1379, C replaced by T.
Molecular consequence: intron variant. On other transcripts: missense variant (2).
Genome position (GRCh38, 1-based): chr12:32,843,263, G>A on the plus strand (C>T on the coding strand, the complement: PKP2 is on the minus strand). VCF-style: chr12-32843263-G-A. GRCh37 (hg19) VCF-style: chr12-32996197-G-A.
Other names: c.1429C>T, p.His477Tyr (NM_001407157.1, NM_004572.4); short protein forms H477Y.
Identifiers: ClinVar variation 2199448 (VCV002199448.5), dbSNP rs1312027182, ClinGen allele CA384368706.